The following is an entry in ClinVar:

ClinVar aggregate classification (germline): Uncertain significance (1 of 4 stars; one submission).

Allele frequency attached by ClinVar (database versions not stated): TOPMed below 0.00001; gnomAD 0.00001.
gnomAD v4.1: 1 of 1,613,712 alleles (0.000062%); highest among the groups gnomAD compares: African/African-American, 0.0013%; no homozygotes.

Submission:

Labcorp Genetics (formerly Invitae), Labcorp
Classification: Uncertain significance. Last evaluated: 2023-12-11. Review status: criteria provided, single submitter. Criteria: Invitae Variant Classification Sherloc (09022015). Collection method: clinical testing. Allele origin: germline.
Comment: This sequence change replaces proline, which is neutral and non-polar, with leucine, which is neutral and non-polar, at codon 214 of the C3 protein (p.Pro214Leu). This variant is not present in population databases (gnomAD no frequency). This variant has not been reported in the literature in individuals affected with C3-related conditions. ClinVar contains an entry for this variant (Variation ID: 2040617). Advanced modeling of protein sequence and biophysical properties (such as structural, functional, and spatial information, amino acid conservation, physicochemical variation, residue mobility, and thermodynamic stability) performed at Invitae indicates that this missense variant is not expected to disrupt C3 protein function with a negative predictive value of 80%. In summary, the available evidence is currently insufficient to determine the role of this variant in disease. Therefore, it has been classified as a Variant of Uncertain Significance.

NM_000064.4(C3):c.641C>T (p.Pro214Leu)

Gene: C3 (complement C3; minus strand). Cytogenetic location: 19p13.3.
Variant type: single nucleotide variant.
Coding change: c.641C>T on transcript NM_000064.4 (MANE Select); coding-DNA position 641, C replaced by T.
Protein change: p.Pro214Leu; replaces proline 214 with leucine.
Molecular consequence: missense variant.
Genome position (GRCh38, 1-based): chr19:6,714,207, G>A on the plus strand (C>T on the coding strand, the complement: C3 is on the minus strand). VCF-style: chr19-6714207-G-A. GRCh37 (hg19) VCF-style: chr19-6714218-G-A.
Other names: short protein forms P214L.
Identifiers: ClinVar variation 2040617 (VCV002040617.4), dbSNP rs1312372377, ClinGen allele CA403643188.